The following is an entry in ClinVar:

NM_001928.4(CFD):c.116A>G (p.Tyr39Cys)

Gene: CFD (complement factor D; plus strand). Cytogenetic location: 19p13.3.
Variant type: single nucleotide variant.
Coding change: c.116A>G on transcript NM_001928.4 (MANE Select); coding-DNA position 116, A replaced by G.
Protein change: p.Tyr39Cys; replaces tyrosine 39 with cysteine.
Molecular consequence: missense variant.
Genome position (GRCh38, 1-based): chr19:860,677, A>G. VCF-style: chr19-860677-A-G. GRCh37 (hg19) VCF-style: chr19-860677-A-G.
Other names: c.137A>G, p.Tyr46Cys (NM_001317335.2); c.116A>G (NM_001928.2); short protein forms Y46C, Y39C.
Identifiers: ClinVar variation 1472420 (VCV001472420.8), dbSNP rs746199962, ClinGen allele CA9026225.

ClinVar aggregate classification (germline): Uncertain significance. Review status: criteria provided, multiple submitters, no conflicts (2 of 4 stars). 2 submissions from 2 submitters: Uncertain significance (2). Last evaluated 2025-04-13.

Allele frequency attached by ClinVar (database versions not stated): gnomAD exomes 0.00001 and 0.00004; TOPMed 0.00008; ExAC 0.00023.
gnomAD v4.1: 4 of 1,536,198 alleles (0.00026%); highest among the groups gnomAD compares: Admixed American, 0.0078%; no homozygotes.

Submissions (2):

Ambry Genetics
Classification: Uncertain significance. Last evaluated: 2025-04-13. Review status: criteria provided, single submitter. Criteria: Ambry Variant Classification Scheme 2023. Collection method: clinical testing. Allele origin: germline.

Labcorp Genetics (formerly Invitae), Labcorp
Classification: Uncertain significance. Last evaluated: 2022-09-27. Review status: criteria provided, single submitter. Criteria: Invitae Variant Classification Sherloc (09022015). Collection method: clinical testing. Allele origin: germline.
Comment: Algorithms developed to predict the effect of missense changes on protein structure and function are either unavailable or do not agree on the potential impact of this missense change (SIFT: "Not Available"; PolyPhen-2: "Probably Damaging"; Align-GVGD: "Not Available"). In summary, the available evidence is currently insufficient to determine the role of this variant in disease. Therefore, it has been classified as a Variant of Uncertain Significance. ClinVar contains an entry for this variant (Variation ID: 1472420). This sequence change replaces tyrosine, which is neutral and polar, with cysteine, which is neutral and slightly polar, at codon 39 of the CFD protein (p.Tyr39Cys). The frequency data for this variant in the population databases is considered unreliable, as metrics indicate poor data quality at this position in the gnomAD database. This variant has not been reported in the literature in individuals affected with CFD-related conditions.